The following is an entry in ClinVar:

ClinVar aggregate classification (germline): Uncertain significance (1 of 4 stars; one submission).

gnomAD v4.1: 7 of 1,606,102 alleles (0.00044%); highest among the groups gnomAD compares: Non-Finnish European, 0.0006%; no homozygotes.

Submission:

Labcorp Genetics (formerly Invitae), Labcorp
Classification: Uncertain significance. Last evaluated: 2025-07-27. Review status: criteria provided, single submitter. Criteria: Invitae Variant Classification Sherloc (09022015). Collection method: clinical testing. Allele origin: germline.
Comment: This sequence change replaces alanine, which is neutral and non-polar, with valine, which is neutral and non-polar, at codon 377 of the JAK2 protein (p.Ala377Val). This variant is not present in population databases (gnomAD no frequency). This variant has not been reported in the literature in individuals affected with JAK2-related conditions. Invitae Evidence Modeling of protein sequence and biophysical properties (such as structural, functional, and spatial information, amino acid conservation, physicochemical variation, residue mobility, and thermodynamic stability) indicates that this missense variant is not expected to disrupt JAK2 protein function with a negative predictive value of 80%. In summary, the available evidence is currently insufficient to determine the role of this variant in disease. Therefore, it has been classified as a Variant of Uncertain Significance.

NM_004972.4(JAK2):c.1130C>T (p.Ala377Val)

Genes: INSL6 (insulin like 6; minus strand), JAK2 (Janus kinase 2; plus strand). Cytogenetic location: 9p24.1.
Variant type: single nucleotide variant.
Coding change: c.1130C>T on transcript NM_004972.4 (MANE Select); coding-DNA position 1130, C replaced by T.
Protein change: p.Ala377Val; replaces alanine 377 with valine.
Molecular consequence: missense variant. On other transcripts: 5 prime UTR variant (2), non-coding transcript variant (2).
Genome position (GRCh38, 1-based): chr9:5,064,956, C>T. VCF-style: chr9-5064956-C-T. GRCh37 (hg19) VCF-style: chr9-5064956-C-T.
Other names: c.1130C>T, p.Ala377Val (NM_001322194.2, NM_001322195.2, NM_001322196.2); c.-86C>T (NM_001322198.2, NM_001322199.2); c.683C>T, p.Ala228Val (NM_001322204.2); short protein forms A228V, A377V.
Identifiers: ClinVar variation 4771479 (VCV004771479.1).